The following is an entry in ClinVar:

NM_020778.5(ALPK3):c.3505C>T (p.Leu1169Phe)

Gene: ALPK3 (alpha kinase 3; plus strand). Cytogenetic location: 15q25.3.
Variant type: single nucleotide variant.
Coding change: c.3505C>T on transcript NM_020778.5 (MANE Select); coding-DNA position 3505, C replaced by T.
Protein change: p.Leu1169Phe; replaces leucine 1169 with phenylalanine.
Molecular consequence: missense variant.
Genome position (GRCh38, 1-based): chr15:84,858,243, C>T. VCF-style: chr15-84858243-C-T. GRCh37 (hg19) VCF-style: chr15-85401474-C-T.
Other names: short protein forms L1169F.
Identifiers: ClinVar variation 1737931 (VCV001737931.9), dbSNP rs778609174, ClinGen allele CA7709652.

ClinVar aggregate classification (germline): Uncertain significance. Review status: criteria provided, multiple submitters, no conflicts (2 of 4 stars). 2 submissions from 2 submitters: Uncertain significance (2). Last evaluated 2026-01-06.

Conditions:
Cardiovascular phenotype. Identifiers: MedGen CN230736.

Allele frequency attached by ClinVar (database versions not stated): gnomAD exomes below 0.00001; gnomAD 0.00002; TOPMed 0.00002; ExAC 0.00003.
gnomAD v4.1: 9 of 1,608,350 alleles (0.00056%); highest among the groups gnomAD compares: East Asian, 0.018%; no homozygotes.

Submissions (2):

Labcorp Genetics (formerly Invitae), Labcorp
Classification: Uncertain significance. Last evaluated: 2026-01-06. Review status: criteria provided, single submitter. Criteria: Invitae Variant Classification Sherloc (09022015). Collection method: clinical testing. Allele origin: germline.
Comment: This sequence change replaces leucine, which is neutral and non-polar, with phenylalanine, which is neutral and non-polar, at codon 1371 of the ALPK3 protein (p.Leu1371Phe). This variant is present in population databases (rs778609174, gnomAD 0.04%). This variant has not been reported in the literature in individuals affected with ALPK3-related conditions. ClinVar contains an entry for this variant (Variation ID: 1737931). An algorithm developed to predict the effect of missense changes on protein structure and function outputs the following: PolyPhen-2: "Benign". The phenylalanine amino acid residue is found in multiple mammalian species, which suggests that this missense change does not adversely affect protein function. In summary, the available evidence is currently insufficient to determine the role of this variant in disease. Therefore, it has been classified as a Variant of Uncertain Significance.

Ambry Genetics
Classification: Uncertain significance for Cardiovascular phenotype. Last evaluated: 2025-06-01. Review status: criteria provided, single submitter. Criteria: Ambry Variant Classification Scheme 2023. Collection method: clinical testing. Allele origin: germline.
Comment: The p.L1371F variant (also known as c.4111C>T), located in coding exon 6 of the ALPK3 gene, results from a C to T substitution at nucleotide position 4111. The leucine at codon 1371 is replaced by phenylalanine, an amino acid with highly similar properties. This amino acid position is not well conserved in available vertebrate species. In addition, this alteration is predicted to be tolerated by in silico analysis. Since supporting evidence is limited at this time, the clinical significance of this alteration remains unclear.